The following is an entry in ClinVar:

NM_005506.4(SCARB2):c.567T>C (p.His189=)

Gene: SCARB2 (scavenger receptor class B member 2; minus strand). Cytogenetic location: 4q21.1.
Variant type: single nucleotide variant.
Coding change: c.567T>C on transcript NM_005506.4 (MANE Select); coding-DNA position 567, T replaced by C.
Protein change: p.His189=; no amino-acid change (histidine 189 retained).
Molecular consequence: synonymous variant. On other transcripts: intron variant (1).
Genome position (GRCh38, 1-based): chr4:76,179,562, A>G on the plus strand (T>C on the coding strand, the complement: SCARB2 is on the minus strand). VCF-style: chr4-76179562-A-G. GRCh37 (hg19) VCF-style: chr4-77100715-A-G.
Other names: c.276-3652T>C (NM_001204255.2).
Identifiers: ClinVar variation 378504 (VCV000378504.18), dbSNP rs141208366, ClinGen allele CA2970312.

ClinVar aggregate classification (germline): Benign/Likely benign. Review status: criteria provided, multiple submitters, no conflicts (2 of 4 stars). 6 submissions from 6 submitters: Benign (1); Likely benign (5). Last evaluated 2025-12-01.

Conditions:
Action myoclonus-renal failure syndrome. Also called: MYOCLONUS-NEPHROPATHY SYNDROME; EPILEPSY, PROGRESSIVE MYOCLONIC, 4, WITH RENAL FAILURE; EPILEPSY, PROGRESSIVE MYOCLONIC, 4, WITHOUT RENAL FAILURE; SCARB2-Related Action Myoclonus-Renal Failure Syndrome. Identifiers: Orphanet 163696, MedGen C0751779, MeSH D020191, MONDO:0009699, OMIM 254900.
Inborn genetic diseases. Identifiers: MedGen C0950123, MeSH D030342.
Progressive myoclonic epilepsy. Also called: Myoclonic Epilepsies, Progressive; Myoclonus epilepsy; Familial progressive myoclonic epilepsy; Progressive myoclonus epilepsy. Identifiers: Orphanet 308, Orphanet 98261, MedGen C0751778, MONDO:0020074.

Allele frequency attached by ClinVar (database versions not stated): gnomAD exomes 0.00013 and 0.00023; ExAC 0.00027; ESP Exome Variant Server 0.00031; TOPMed 0.00033; gnomAD 0.00037 and 0.00039; 1000 Genomes Project 0.00040; 1000 Genomes Project 30x 0.00047.
gnomAD v4.1: 251 of 1,614,226 alleles (0.016%); highest among the groups gnomAD compares: Middle Eastern, 0.23%; 1 homozygote.

Submissions (6):

Labcorp Genetics (formerly Invitae), Labcorp
Classification: Likely benign for Progressive myoclonic epilepsy. Last evaluated: 2025-12-01. Review status: criteria provided, single submitter. Criteria: Invitae Variant Classification Sherloc (09022015). Collection method: clinical testing. Allele origin: germline.

Blueprint Genetics
Classification: Likely benign. Last evaluated: 2024-10-02. Review status: criteria provided, single submitter. Criteria: ACMG Guidelines, 2015. Collection method: clinical testing. Allele origin: germline.

Fulgent Genetics
Classification: Likely benign for Action myoclonus-renal failure syndrome. Last evaluated: 2021-09-15. Review status: criteria provided, single submitter. Criteria: ACMG Guidelines, 2015. Collection method: clinical testing. Allele origin: unknown.

Ambry Genetics
Classification: Likely benign for Inborn genetic diseases. Last evaluated: 2017-04-04. Review status: criteria provided, single submitter. Criteria: Ambry Variant Classification Scheme 2023. Collection method: clinical testing. Allele origin: germline.

GeneDx
Classification: Benign. Last evaluated: 2015-06-22. Review status: criteria provided, single submitter. Criteria: GeneDx Variant Classification (06012015). Collection method: clinical testing. Allele origin: germline. Affected: yes.
Comment: This variant is considered likely benign or benign based on one or more of the following criteria: it is a conservative change, it occurs at a poorly conserved position in the protein, it is predicted to be benign by multiple in silico algorithms, and/or has population frequency not consistent with disease.

Breakthrough Genomics
Classification: Likely benign. Review status: criteria provided, single submitter. Criteria: ACMG Guidelines, 2015. Collection method: not provided. Allele origin: germline. Inheritance: Autosomal recessive inheritance. Affected: yes.